The following is an entry in ClinVar:

ClinVar aggregate classification (germline): Uncertain significance (1 of 4 stars; one submission).

Allele frequency attached by ClinVar (database versions not stated): gnomAD exomes 0.00001; TOPMed 0.00002; ExAC 0.00001; gnomAD 0.00001.
gnomAD v4.1: 20 of 1,614,062 alleles (0.0012%); highest among the groups gnomAD compares: Middle Eastern, 0.049%; 1 homozygote.

Submission:

Labcorp Genetics (formerly Invitae), Labcorp
Classification: Uncertain significance. Last evaluated: 2022-03-20. Review status: criteria provided, single submitter. Criteria: Invitae Variant Classification Sherloc (09022015). Collection method: clinical testing. Allele origin: germline.
Comment: In summary, the available evidence is currently insufficient to determine the role of this variant in disease. Therefore, it has been classified as a Variant of Uncertain Significance. Algorithms developed to predict the effect of missense changes on protein structure and function are either unavailable or do not agree on the potential impact of this missense change (SIFT: "Deleterious"; PolyPhen-2: "Probably Damaging"; Align-GVGD: "Class C15"). This variant has not been reported in the literature in individuals affected with DSCAML1-related conditions. This variant is present in population databases (rs772678667, gnomAD 0.003%). This sequence change replaces arginine, which is basic and polar, with cysteine, which is neutral and slightly polar, at codon 1282 of the DSCAML1 protein (p.Arg1282Cys).

NM_020693.4(DSCAML1):c.3664C>T (p.Arg1222Cys)

Gene: DSCAML1 (DS cell adhesion molecule like 1; minus strand). Cytogenetic location: 11q23.3.
Variant type: single nucleotide variant.
Coding change: c.3664C>T on transcript NM_020693.4 (MANE Select); coding-DNA position 3664, C replaced by T.
Protein change: p.Arg1222Cys; replaces arginine 1222 with cysteine.
Molecular consequence: missense variant.
Genome position (GRCh38, 1-based): chr11:117,450,593, G>A on the plus strand (C>T on the coding strand, the complement: DSCAML1 is on the minus strand). VCF-style: chr11-117450593-G-A. GRCh37 (hg19) VCF-style: chr11-117321309-G-A.
Other names: short protein forms R1222C.
Identifiers: ClinVar variation 2066780 (VCV002066780.4), dbSNP rs772678667, ClinGen allele CA6296631.